The following is an entry in ClinVar:

NM_001927.4(DES):c.1024-3C>A

Gene: DES (desmin; plus strand). Cytogenetic location: 2q35.
Variant type: single nucleotide variant.
Coding change: c.1024-3C>A on transcript NM_001927.4 (MANE Select); 3 bases into the intron before coding-DNA position 1024, C replaced by A.
Molecular consequence: intron variant.
Genome position (GRCh38, 1-based): chr2:219,421,337, C>A. VCF-style: chr2-219421337-C-A. GRCh37 (hg19) VCF-style: chr2-220286059-C-A.
Other names: c.1024-3C>A (LRG_380t1).
Identifiers: ClinVar variation 512722 (VCV000512722.12), dbSNP rs1553603530, ClinGen allele CA658796175.

ClinVar aggregate classification (germline): Conflicting classifications of pathogenicity. Review status: criteria provided, conflicting classifications (1 of 4 stars). 3 submissions from 3 submitters: Uncertain significance (2); Likely benign (1). Last evaluated 2023-09-07.

Conditions:
Desmin-related myofibrillar myopathy (MFM1). Also called: MYOFIBRILLAR MYOPATHY WITH ARRHYTHMOGENIC RIGHT VENTRICULAR CARDIOMYOPATHY; DESMIN-RELATED MYOPATHY WITH ARRHYTHMOGENIC RIGHT VENTRICULAR CARDIOMYOPATHY; Myofibrillar myopathy 1; Desminopathy; Desmin related myopathy (former name); Desmin storage myopathy (former name). Identifiers: Orphanet 363543, Orphanet 98909, MedGen C1832370, MONDO:0011076, OMIM 601419.
Cardiovascular phenotype. Identifiers: MedGen CN230736.

Submissions (3):

Ambry Genetics
Classification: Uncertain significance for Cardiovascular phenotype. Last evaluated: 2023-09-07. Review status: criteria provided, single submitter. Criteria: Ambry Variant Classification Scheme 2023. Collection method: clinical testing. Allele origin: germline.
Comment: The c.1024-3C>A intronic variant results from a C to A substitution 3 nucleotides before coding exon 6 in the DES gene. This nucleotide position is not well conserved in available vertebrate species. In silico splice site analysis predicts that this alteration may result in the creation or strengthening of a novel splice acceptor site. Since supporting evidence is limited at this time, the clinical significance of this alteration remains unclear.

Labcorp Genetics (formerly Invitae), Labcorp
Classification: Uncertain significance for Desmin-related myofibrillar myopathy. Last evaluated: 2018-12-06. Review status: criteria provided, single submitter. Criteria: Invitae Variant Classification Sherloc (09022015). Collection method: clinical testing. Allele origin: germline.
Comment: In summary, the available evidence is currently insufficient to determine the role of this variant in disease. Therefore, it has been classified as a Variant of Uncertain Significance. Nucleotide substitutions within the consensus splice site are a relatively common cause of aberrant splicing (PMID: 17576681, 9536098). Algorithms developed to predict the effect of sequence changes on RNA splicing suggest that this variant may disrupt the consensus splice site, but this prediction has not been confirmed by published transcriptional studies. This variant has not been reported in the literature in individuals with DES-related conditions. ClinVar contains an entry for this variant (Variation ID: 512722). This variant is not present in population databases (ExAC no frequency). This sequence change falls in intron 5 of the DES gene. It does not directly change the encoded amino acid sequence of the DES protein, but it affects a nucleotide within the consensus splice site of the intron.

GeneDx
Classification: Likely benign. Last evaluated: 2017-10-18. Review status: criteria provided, single submitter. Criteria: GeneDx Variant Classification (06012015). Collection method: clinical testing. Allele origin: germline. Affected: yes.
Comment: This variant is considered likely benign or benign based on one or more of the following criteria: it is a conservative change, it occurs at a poorly conserved position in the protein, it is predicted to be benign by multiple in silico algorithms, and/or has population frequency not consistent with disease.

Literature cited by the submitters: PubMed 17576681 (cited by Labcorp Genetics (formerly Invitae), Labcorp); PubMed 9536098 (cited by Labcorp Genetics (formerly Invitae), Labcorp).